The following is an entry in ClinVar:

NM_020964.3(EPG5):c.1640C>T (p.Ser547Phe)

Gene: EPG5 (ectopic P-granules 5 autophagy tethering factor; minus strand). Cytogenetic location: 18q21.1.
Variant type: single nucleotide variant.
Coding change: c.1640C>T on transcript NM_020964.3 (MANE Select); coding-DNA position 1640, C replaced by T.
Protein change: p.Ser547Phe; replaces serine 547 with phenylalanine.
Molecular consequence: missense variant.
Genome position (GRCh38, 1-based): chr18:45,946,700, G>A on the plus strand (C>T on the coding strand, the complement: EPG5 is on the minus strand). VCF-style: chr18-45946700-G-A. GRCh37 (hg19) VCF-style: chr18-43526666-G-A.
Other names: short protein forms S547F.
Identifiers: ClinVar variation 828120 (VCV000828120.3), dbSNP rs1599633287, ClinGen allele CA402348921.
Genomic context (GRCh38, chr18:45,946,700, plus strand): 5'-ATAATGCAGATATGACAAGTTACCTCTTCTCCTCCTTCGTCTACTAGCGTCCAAGTCCCA[G>A]ACCCAGGCCCTGAGGAGGATGGCTTCCGCTCGCTGGGCTTCATGTGGCACATAAACTCAG-3'
Protein context (NP_066015.2, residues 537-557): ERKPSSSGPG[Ser547Phe]GTWTLVDEGG

ClinVar aggregate classification (germline): Uncertain significance. Review status: criteria provided, single submitter (1 of 4 stars). 2 submissions from 2 submitters: Uncertain significance (1). 1 of the submissions does not count toward it. Last evaluated 2019-12-02.

Conditions:
Vici syndrome (VICIS). Identifiers: Orphanet 1493, MedGen C1855772, MONDO:0009452, OMIM 242840.

Submissions (2):

Baylor Genetics
Classification: Uncertain significance for Vici syndrome. Last evaluated: 2019-12-02. Review status: criteria provided, single submitter. Criteria: ACMG Guidelines, 2015. Collection method: clinical testing. Allele origin: unknown. Affected: yes.
Comment: This variant was determined to be of uncertain significance according to ACMG Guidelines, 2015 [PMID:25741868].

Biochemical Molecular Genetic Laboratory, King Abdulaziz Medical City
Classification: Uncertain significance for Vici syndrome. Last evaluated: 2020-02-05. Review status: no assertion criteria provided. Collection method: clinical testing. Allele origin: germline. Affected: yes. Not counted in ClinVar's aggregate classification.